The following is an entry in ClinVar:

ClinVar aggregate classification (germline): Pathogenic (1 of 4 stars; one submission).

Conditions:
Neurofibromatosis, type 1 (NF1). Also called: Peripheral type neurofibromatosis; VON RECKLINGHAUSEN DISEASE; NEUROFIBROMATOSIS, TYPE I, SOMATIC; Neurofibromatosis, type I. Identifiers: Orphanet 636, MedGen C0027831, MONDO:0018975, OMIM 162200. Disease mechanism: loss of function.

Submission:

Labcorp Genetics (formerly Invitae), Labcorp
Classification: Pathogenic for Neurofibromatosis, type 1. Last evaluated: 2024-07-23. Review status: criteria provided, single submitter. Criteria: Invitae Variant Classification Sherloc (09022015). Collection method: clinical testing. Allele origin: germline.
Comment: This sequence change creates a premature translational stop signal (p.Trp1931Hisfs*6) in the NF1 gene. It is expected to result in an absent or disrupted protein product. Loss-of-function variants in NF1 are known to be pathogenic (PMID: 10712197, 23913538). This variant is not present in population databases (gnomAD no frequency). This variant has not been reported in the literature in individuals affected with NF1-related conditions. For these reasons, this variant has been classified as Pathogenic.

Literature cited by the submitters: PubMed 10712197; PubMed 23913538.

NM_001042492.3(NF1):c.5852_5853dup (p.Trp1952fs)

Gene: NF1 (neurofibromin 1; plus strand). Cytogenetic location: 17q11.2.
Variant type: Duplication.
Coding change: c.5852_5853dup on transcript NM_001042492.3 (MANE Select); coding-DNA positions 5852 to 5853, 2 bases duplicated (CA; older notation c.5852_5853dupCA).
Protein change: p.Trp1952fs; shifts the reading frame from tryptophan 1952.
Molecular consequence: frameshift variant.
Genome position (GRCh38, 1-based): chr17:31,334,877-31,334,878, CA duplicated. VCF-style (leftmost placement, unchanged base first): chr17-31334876-C-CCA. GRCh37 (hg19) VCF-style: chr17-29661894-C-CCA.
Other names: c.5789_5790dup, p.Trp1931Hisfs (NM_000267.4); short protein forms W1931fs, W1952fs.
Identifiers: ClinVar variation 3660288 (VCV003660288.2).